The following is an entry in ClinVar:

ClinVar aggregate classification (germline): Likely benign (1 of 4 stars; one submission).

Allele frequency attached by ClinVar (database versions not stated): gnomAD exomes 0.00082; gnomAD 0.00084 and 0.00088; TOPMed 0.00085; ESP Exome Variant Server 0.00151; ExAC 0.00190.
gnomAD v4.1: 1,959 of 1,590,380 alleles (0.12%); highest among the groups gnomAD compares: Non-Finnish European, 0.16%; 2 homozygotes.

Submission:

CeGaT Center for Human Genetics Tuebingen
Classification: Likely benign. Last evaluated: 2024-09-01. Review status: criteria provided, single submitter. Criteria: CeGaT Center For Human Genetics Tuebingen Variant Classification Criteria Version 2. Collection method: clinical testing. Allele origin: germline. Affected: yes. Observed: 2 variant alleles.
Comment: COL6A6: BS2

NM_001102608.3(COL6A6):c.4768G>T (p.Ala1590Ser)

Gene: COL6A6 (collagen type VI alpha 6 chain; plus strand). Cytogenetic location: 3q22.1.
Variant type: single nucleotide variant.
Coding change: c.4768G>T on transcript NM_001102608.3 (MANE Select); coding-DNA position 4768, G replaced by T.
Protein change: p.Ala1590Ser; replaces alanine 1590 with serine.
Molecular consequence: missense variant.
Genome position (GRCh38, 1-based): chr3:130,610,664, G>T. VCF-style: chr3-130610664-G-T. GRCh37 (hg19) VCF-style: chr3-130329508-G-T.
Other names: short protein forms A1590S.
Identifiers: ClinVar variation 810721 (VCV000810721.42), dbSNP rs71333673, ClinGen allele CA2613087.